The following is an entry in ClinVar:

ClinVar aggregate classification (germline): Uncertain significance (1 of 4 stars; one submission).

Submission:

GeneDx
Classification: Uncertain significance. Last evaluated: 2023-06-12. Review status: criteria provided, single submitter. Criteria: GeneDx Variant Classification Process June 2021. Collection method: clinical testing. Allele origin: germline. Affected: yes.
Comment: Not observed at significant frequency in large population cohorts (gnomAD); In silico analysis supports that this missense variant has a deleterious effect on protein structure/function; Has not been previously published as pathogenic or benign to our knowledge

NM_004006.3(DMD):c.6053T>C (p.Leu2018Pro)

Gene: DMD (dystrophin; minus strand). Cytogenetic location: Xp21.1.
Variant type: single nucleotide variant.
Coding change: c.6053T>C on transcript NM_004006.3 (MANE Select); coding-DNA position 6053, T replaced by C.
Protein change: p.Leu2018Pro; replaces leucine 2018 with proline.
Molecular consequence: missense variant.
Genome position (GRCh38, 1-based): chrX:32,310,146, A>G on the plus strand (T>C on the coding strand, the complement: DMD is on the minus strand). VCF-style: chrX-32310146-A-G. GRCh37 (hg19) VCF-style: chrX-32328263-A-G.
Other names: c.6029T>C, p.Leu2010Pro (NM_000109.4); c.6041T>C, p.Leu2014Pro (NM_004009.3); c.5684T>C, p.Leu1895Pro (NM_004010.3); c.2030T>C, p.Leu677Pro (NM_004011.4); c.2021T>C, p.Leu674Pro (NM_004012.4); short protein forms L1895P, L2010P, L2014P, L2018P, L674P, L677P.
Identifiers: ClinVar variation 3359568 (VCV003359568.1).